The following is an entry in ClinVar:

ClinVar aggregate classification (germline): Uncertain significance. Review status: criteria provided, multiple submitters, no conflicts (2 of 4 stars). 2 submissions from 2 submitters: Uncertain significance (2). Last evaluated 2022-02-05.

Conditions:
Episodic ataxia type 2 (EA2). Also called: ACETAZOLAMIDE-RESPONSIVE HEREDITARY PAROXYSMAL CEREBELLAR ATAXIA; ATAXIA, EPISODIC, WITH NYSTAGMUS; ATAXIA, FAMILIAL PAROXYSMAL; CEREBELLAR ATAXIA, PAROXYSMAL, ACETAZOLAMIDE-RESPONSIVE; CEREBELLOPATHY, HEREDITARY PAROXYSMAL; EPISODIC ATAXIA, NYSTAGMUS-ASSOCIATED. Identifiers: Orphanet 97, MedGen C1720416, MONDO:0007163, OMIM 108500.
Developmental and epileptic encephalopathy, 42 (DEE42A). Also called: DEVELOPMENTAL AND EPILEPTIC ENCEPHALOPATHY 42A; EPILEPTIC ENCEPHALOPATHY, EARLY INFANTILE, 42A; Epileptic encephalopathy, early infantile, 42. Identifiers: MedGen C4310716, MONDO:0014917, OMIM 617106.

gnomAD v4.1: 1 of 1,579,892 alleles (0.000063%); highest among the groups gnomAD compares: Admixed American, 0.0017%; no homozygotes.

Submissions (2):

Labcorp Genetics (formerly Invitae), Labcorp
Classification: Uncertain significance for Developmental and epileptic encephalopathy, 42; Episodic ataxia type 2. Last evaluated: 2022-02-05. Review status: criteria provided, single submitter. Criteria: Invitae Variant Classification Sherloc (09022015). Collection method: clinical testing. Allele origin: germline.
Comment: This variant has not been reported in the literature in individuals affected with CACNA1A-related conditions. This sequence change replaces arginine, which is basic and polar, with leucine, which is neutral and non-polar, at codon 1846 of the CACNA1A protein (p.Arg1846Leu). This variant is not present in population databases (gnomAD no frequency). ClinVar contains an entry for this variant (Variation ID: 853750). Advanced modeling of protein sequence and biophysical properties (such as structural, functional, and spatial information, amino acid conservation, physicochemical variation, residue mobility, and thermodynamic stability) performed at Invitae indicates that this missense variant is not expected to disrupt CACNA1A protein function. In summary, the available evidence is currently insufficient to determine the role of this variant in disease. Therefore, it has been classified as a Variant of Uncertain Significance.

Mayo Clinic Laboratories, Mayo Clinic
Classification: Uncertain significance. Last evaluated: 2020-12-31. Review status: criteria provided, single submitter. Criteria: ACMG Guidelines, 2015. Collection method: clinical testing. Allele origin: germline. Observed: 1 variant allele.

NM_001127221.2(CACNA1A):c.5537G>T (p.Arg1846Leu)

Gene: CACNA1A (calcium voltage-gated channel subunit alpha1 A; minus strand). Cytogenetic location: 19p13.13.
Variant type: single nucleotide variant.
Coding change: c.5537G>T on transcript NM_001127221.2 (MANE Plus Clinical); coding-DNA position 5537, G replaced by T.
Protein change: p.Arg1846Leu; replaces arginine 1846 with leucine.
Molecular consequence: missense variant. On other transcripts: intron variant (4).
Genome position (GRCh38, 1-based): chr19:13,228,790, C>A on the plus strand (G>T on the coding strand, the complement: CACNA1A is on the minus strand). VCF-style: chr19-13228790-C-A. GRCh37 (hg19) VCF-style: chr19-13339604-C-A.
Other names: c.5529-1263G>T (NM_001127222.2); c.5538-1263G>T (NM_001174080.2); c.5547-1263G>T (NM_000068.4, NM_023035.3); short protein forms R1846L.
Identifiers: ClinVar variation 853750 (VCV000853750.14), dbSNP rs770936656, ClinGen allele CA404331934.
Genomic context (GRCh38, chr19:13,228,790, plus strand): 5'-CCTAAGCCGAGAGGGGGAGATATTACTCGTAATAAACTGTACATATCCTTATAATGAATC[C>A]GACCGCTGAAAGGAGAAGAAAGGGGGTTAGTGCAGGCAATGGGTTCACACGGGCTCCCTG-3'
Protein context (NP_001120693.1, residues 1836-1856): WAEYDPAACG[Arg1846Leu]IHYKDMYSLL